The following is an entry in ClinVar:

NM_022114.4(PRDM16):c.97A>G (p.Ser33Gly)

Gene: PRDM16 (PR/SET domain 16; plus strand). Cytogenetic location: 1p36.32.
Variant type: single nucleotide variant.
Coding change: c.97A>G on transcript NM_022114.4 (MANE Select); coding-DNA position 97, A replaced by G.
Protein change: p.Ser33Gly; replaces serine 33 with glycine.
Molecular consequence: missense variant.
Genome position (GRCh38, 1-based): chr1:3,186,184, A>G. VCF-style: chr1-3186184-A-G. GRCh37 (hg19) VCF-style: chr1-3102748-A-G.
Other names: c.97A>G, p.Ser33Gly (NM_199454.3); short protein forms S33G.
Identifiers: ClinVar variation 3668972 (VCV003668972.2).

ClinVar aggregate classification (germline): Uncertain significance (1 of 4 stars; one submission).

Conditions:
Left ventricular noncompaction 8 (LVNC8). Identifiers: Orphanet 154, Orphanet 54260, MedGen C3809288, MONDO:0014152, OMIM 615373.

gnomAD v4.1: 10 of 1,612,768 alleles (0.00062%); highest among the groups gnomAD compares: Non-Finnish European, 0.00085%; no homozygotes.

Submission:

Labcorp Genetics (formerly Invitae), Labcorp
Classification: Uncertain significance for Left ventricular noncompaction 8. Last evaluated: 2024-08-04. Review status: criteria provided, single submitter. Criteria: Invitae Variant Classification Sherloc (09022015). Collection method: clinical testing. Allele origin: germline.
Comment: This sequence change replaces serine, which is neutral and polar, with glycine, which is neutral and non-polar, at codon 33 of the PRDM16 protein (p.Ser33Gly). This variant is present in population databases (rs760886229, gnomAD 0.0009%). This variant has not been reported in the literature in individuals affected with PRDM16-related conditions. An algorithm developed to predict the effect of missense changes on protein structure and function (PolyPhen-2) suggests that this variant is likely to be tolerated. In summary, the available evidence is currently insufficient to determine the role of this variant in disease. Therefore, it has been classified as a Variant of Uncertain Significance.